The following is an entry in ClinVar:

ClinVar aggregate classification (germline): Uncertain significance (1 of 4 stars; one submission).

Submission:

Labcorp Genetics (formerly Invitae), Labcorp
Classification: Uncertain significance. Last evaluated: 2022-11-01. Review status: criteria provided, single submitter. Criteria: Invitae Variant Classification Sherloc (09022015). Collection method: clinical testing. Allele origin: germline.
Comment: In summary, the available evidence is currently insufficient to determine the role of this variant in disease. Therefore, it has been classified as a Variant of Uncertain Significance. Advanced modeling of protein sequence and biophysical properties (such as structural, functional, and spatial information, amino acid conservation, physicochemical variation, residue mobility, and thermodynamic stability) performed at Invitae indicates that this missense variant is not expected to disrupt SRCAP protein function. This variant has not been reported in the literature in individuals affected with SRCAP-related conditions. This variant is not present in population databases (gnomAD no frequency). This sequence change replaces serine, which is neutral and polar, with cysteine, which is neutral and slightly polar, at codon 262 of the SRCAP protein (p.Ser262Cys).

NM_006662.3(SRCAP):c.785C>G (p.Ser262Cys)

Gene: SRCAP (Snf2 related CREBBP activator protein; plus strand). Cytogenetic location: 16p11.2.
Variant type: single nucleotide variant.
Coding change: c.785C>G on transcript NM_006662.3 (MANE Select); coding-DNA position 785, C replaced by G.
Protein change: p.Ser262Cys; replaces serine 262 with cysteine.
Molecular consequence: missense variant.
Genome position (GRCh38, 1-based): chr16:30,709,664, C>G. VCF-style: chr16-30709664-C-G. GRCh37 (hg19) VCF-style: chr16-30720985-C-G.
Other names: short protein forms S262C.
Identifiers: ClinVar variation 2013760 (VCV002013760.4), dbSNP rs2506619211, ClinGen allele CA395602112.